The following is an entry in ClinVar:

NM_000346.4(SOX9):c.517A>T (p.Lys173Ter)

Gene: SOX9 (SRY-box transcription factor 9; plus strand). Cytogenetic location: 17q24.3.
Variant type: single nucleotide variant.
Coding change: c.517A>T on transcript NM_000346.4 (MANE Select); coding-DNA position 517, A replaced by T.
Protein change: p.Lys173Ter; replaces lysine 173 with a stop codon.
Molecular consequence: nonsense.
Genome position (GRCh38, 1-based): chr17:72,122,804, A>T. VCF-style: chr17-72122804-A-T. GRCh37 (hg19) VCF-style: chr17-70118945-A-T.
Other names: short protein forms K173*.
Identifiers: ClinVar variation 1699296 (VCV001699296.3), dbSNP rs104894647, ClinGen allele CA400866472.

ClinVar aggregate classification (germline): Pathogenic (1 of 4 stars; one submission).

Conditions:
Camptomelic dysplasia (CMPD). Also called: Campomelic Dysplasia; CMPD1/SRA1. Identifiers: Orphanet 140, MedGen C1861922, MONDO:0007251, OMIM 114290.

Submission:

Victorian Clinical Genetics Services, Murdoch Childrens Research Institute
Classification: Pathogenic for Camptomelic dysplasia. Last evaluated: 2022-06-24. Review status: criteria provided, single submitter. Criteria: ACMG Guidelines, 2015. Collection method: clinical testing. Allele origin: germline. Inheritance: Autosomal dominant inheritance. Affected: yes.
Comment: Based on the classification scheme VCGS_Germline_v1.3.4, this variant is classified as Pathogenic. Following criteria are met: 0102 - Loss of function is a known mechanism of disease in this gene and is associated with campomelic dysplasia (MIM#114290). (I) 0107 - This gene is associated with autosomal dominant disease. (I) 0115 - Variants in this gene are known to have variable expressivity. Seemingly unaffected parents found to have the same variant as their affected children have been shown to be mildly affected on further examination, this includes two cases where the parents were shown to be mosaic for the variant (PMIDs: 20301724, 29542186). (I) 0201 - Variant is predicted to cause nonsense-mediated decay (NMD) and loss of protein (premature termination codon is located at least 54 nucleotides upstream of the final exon-exon junction). (SP) 0251 - This variant is heterozygous. (I) 0301 - Variant is absent from gnomAD (both v2 and v3). (SP) 0701 - Other NMD predicted variants comparable to the one identified in this case have very strong previous evidence for pathogenicity (DECIPHER, PMIDs: 29542186, 9002675). (SP) 0807 - This variant has no previous evidence of pathogenicity. (I) 0905 - No published segregation evidence has been identified for this variant. (I) 1007 - No published functional evidence has been identified for this variant. (I) Legend: (SP) - Supporting pathogenic, (I) - Information, (SB) - Supporting benign

Literature cited by the submitters: PubMed 9002675; PubMed 20301724; PubMed 29542186.